The following is an entry in ClinVar:

ClinVar aggregate classification (germline): Conflicting classifications of pathogenicity. Review status: criteria provided, conflicting classifications (1 of 4 stars). 3 submissions from 3 submitters: Likely pathogenic (1); Uncertain significance (2). Last evaluated 2021-04-08.

Conditions:
Aortic valve disease 2 (AOVD2). Identifiers: MedGen C3542024, MONDO:0013902, OMIM 614823.

gnomAD v4.1: 5 of 1,435,440 alleles (0.00035%); highest among the groups gnomAD compares: South Asian, 0.0015%; no homozygotes.

Submissions (3):

GeneDx
Classification: Uncertain significance. Last evaluated: 2021-04-08. Review status: criteria provided, single submitter. Criteria: GeneDx Variant Classification Process June 2021. Collection method: clinical testing. Allele origin: germline. Affected: yes.
Comment: Not observed in large population cohorts (Lek et al., 2016); Nonsense variant predicted to result in protein truncation or nonsense mediated decay in a gene for which loss-of-function is not a known mechanism of disease; Has not been previously published as pathogenic or benign to our knowledge; This variant is associated with the following publications: (PMID: 32499606)

Labcorp Genetics (formerly Invitae), Labcorp
Classification: Uncertain significance for Aortic valve disease 2. Last evaluated: 2020-03-11. Review status: criteria provided, single submitter. Criteria: Invitae Variant Classification Sherloc (09022015). Collection method: clinical testing. Allele origin: germline.
Comment: In summary, the available evidence is currently insufficient to determine the role of this variant in disease. Therefore, it has been classified as a Variant of Uncertain Significance. The current clinical and genetic evidence is not sufficient to establish whether loss-of-function variants in SMAD6 cause disease. This variant has not been reported in the literature in individuals with SMAD6-related conditions. ClinVar contains an entry for this variant (Variation ID: 444344). The frequency data for this variant in the population databases is considered unreliable, as metrics indicate insufficient coverage at this position in the ExAC database. This sequence change creates a premature translational stop signal (p.Arg42*) in the SMAD6 gene. It is expected to result in an absent or disrupted protein product.

CeGaT Center for Human Genetics Tuebingen
Classification: Likely pathogenic. Last evaluated: 2017-06-01. Review status: criteria provided, single submitter. Criteria: CeGaT Center For Human Genetics Tuebingen Variant Classification Criteria Version 2. Collection method: clinical testing. Allele origin: germline. Affected: yes. Observed: 1 variant allele.

NM_005585.5(SMAD6):c.124C>T (p.Arg42Ter)

Gene: SMAD6 (SMAD family member 6; plus strand). Cytogenetic location: 15q22.31.
Variant type: single nucleotide variant.
Coding change: c.124C>T on transcript NM_005585.5 (MANE Select); coding-DNA position 124, C replaced by T.
Protein change: p.Arg42Ter; replaces arginine 42 with a stop codon.
Molecular consequence: nonsense. On other transcripts: non-coding transcript variant (1).
Genome position (GRCh38, 1-based): chr15:66,703,382, C>T. VCF-style: chr15-66703382-C-T. GRCh37 (hg19) VCF-style: chr15-66995720-C-T.
Other names: short protein forms R42*.
Identifiers: ClinVar variation 444344 (VCV000444344.52), dbSNP rs1447391811, ClinGen allele CA392948635.